The following is an entry in ClinVar:

ClinVar aggregate classification (germline): Uncertain significance. Review status: criteria provided, multiple submitters, no conflicts (2 of 4 stars). 2 submissions from 2 submitters: Uncertain significance (2). Last evaluated 2022-07-13.

Conditions:
Deficiency of alpha-mannosidase (MANSA). Also called: LYSOSOMAL ALPHA-D-MANNOSIDASE DEFICIENCY; Mannosidosis, alpha-, types I and II; Alpha-Mannosidosis. Identifiers: Orphanet 61, MedGen C0024748, MONDO:0009561, OMIM 248500.
Inborn genetic diseases. Identifiers: MedGen C0950123, MeSH D030342.

Allele frequency attached by ClinVar (database versions not stated): ExAC 0.00002; TOPMed 0.00002.

Submissions (2):

Labcorp Genetics (formerly Invitae), Labcorp
Classification: Uncertain significance for Deficiency of alpha-mannosidase. Last evaluated: 2022-07-13. Review status: criteria provided, single submitter. Criteria: Invitae Variant Classification Sherloc (09022015). Collection method: clinical testing. Allele origin: germline.
Comment: This sequence change replaces aspartic acid, which is acidic and polar, with valine, which is neutral and non-polar, at codon 141 of the MAN2B1 protein (p.Asp141Val). This variant is present in population databases (rs759257910, gnomAD 0.02%). This variant has not been reported in the literature in individuals affected with MAN2B1-related conditions. Algorithms developed to predict the effect of missense changes on protein structure and function (SIFT, PolyPhen-2, Align-GVGD) all suggest that this variant is likely to be tolerated. In summary, the available evidence is currently insufficient to determine the role of this variant in disease. Therefore, it has been classified as a Variant of Uncertain Significance.

Ambry Genetics
Classification: Uncertain significance for Inborn genetic diseases. Last evaluated: 2022-05-25. Review status: criteria provided, single submitter. Criteria: Ambry Variant Classification Scheme 2023. Collection method: clinical testing. Allele origin: germline.

NM_000528.4(MAN2B1):c.422A>T (p.Asp141Val)

Gene: MAN2B1 (mannosidase alpha class 2B member 1; minus strand). Cytogenetic location: 19p13.13.
Variant type: single nucleotide variant.
Coding change: c.422A>T on transcript NM_000528.4 (MANE Select); coding-DNA position 422, A replaced by T.
Protein change: p.Asp141Val; replaces aspartic acid 141 with valine.
Molecular consequence: missense variant.
Genome position (GRCh38, 1-based): chr19:12,665,366, T>A on the plus strand (A>T on the coding strand, the complement: MAN2B1 is on the minus strand). VCF-style: chr19-12665366-T-A. GRCh37 (hg19) VCF-style: chr19-12776180-T-A.
Other names: c.422A>T, p.Asp141Val (NM_001173498.2); c.422A>T (NM_000528.3); short protein forms D141V.
Identifiers: ClinVar variation 2201769 (VCV002201769.2), dbSNP rs759257910, ClinGen allele CA9226820.
Genomic context (GRCh38, chr19:12,665,366, plus strand): 5'-AAGCTGGGCTGGGCTTCCTCTTTTCACTTCCTTGGGGTAGGCTCACCCTGGCGCACAAGG[T>A]CTCGCACGACTTCCTGTGTGGCATTTGTCTGCTGGTGCCACCAACGGGAGAAGAAGGCAA-3'
Protein context (NP_000519.2, residues 131-151): QTNATQEVVR[Asp141Val]LVRQGRLEFA